The following is an entry in ClinVar:

ClinVar aggregate classification (germline): Uncertain significance (1 of 4 stars; one submission).

gnomAD v4.1: 13 of 1,551,136 alleles (0.00084%); highest among the groups gnomAD compares: East Asian, 0.015%; no homozygotes.

Submission:

Labcorp Genetics (formerly Invitae), Labcorp
Classification: Uncertain significance. Last evaluated: 2024-02-20. Review status: criteria provided, single submitter. Criteria: Invitae Variant Classification Sherloc (09022015). Collection method: clinical testing. Allele origin: germline.
Comment: This sequence change replaces glycine, which is neutral and non-polar, with arginine, which is basic and polar, at codon 472 of the CACNA1G protein (p.Gly472Arg). This variant is present in population databases (no rsID available, gnomAD 0.02%). This variant has not been reported in the literature in individuals affected with CACNA1G-related conditions. Advanced modeling of protein sequence and biophysical properties (such as structural, functional, and spatial information, amino acid conservation, physicochemical variation, residue mobility, and thermodynamic stability) performed at Invitae indicates that this missense variant is not expected to disrupt CACNA1G protein function with a negative predictive value of 95%. In summary, the available evidence is currently insufficient to determine the role of this variant in disease. Therefore, it has been classified as a Variant of Uncertain Significance.

NM_018896.5(CACNA1G):c.1414G>A (p.Gly472Arg)

Gene: CACNA1G (calcium voltage-gated channel subunit alpha1 G; plus strand). Cytogenetic location: 17q21.33.
Variant type: single nucleotide variant.
Coding change: c.1414G>A on transcript NM_018896.5 (MANE Select); coding-DNA position 1414, G replaced by A.
Protein change: p.Gly472Arg; replaces glycine 472 with arginine.
Molecular consequence: missense variant. On other transcripts: non-coding transcript variant (5).
Genome position (GRCh38, 1-based): chr17:50,575,816, G>A. VCF-style: chr17-50575816-G-A. GRCh37 (hg19) VCF-style: chr17-48653177-G-A.
Other names: c.1414G>A, p.Gly472Arg (NM_001256324.2, NM_001256325.2, NM_001256326.2 and 24 more transcripts); short protein forms G472R.
Identifiers: ClinVar variation 3605055 (VCV003605055.2).